The following is an entry in ClinVar:

ClinVar aggregate classification (germline): Uncertain significance (1 of 4 stars; one submission).

Submission:

Women's Health and Genetics/Laboratory Corporation of America, LabCorp
Classification: Uncertain significance. Last evaluated: 2025-11-13. Review status: criteria provided, single submitter. Criteria: LabCorp Variant Classification Summary - May 2015. Collection method: clinical testing. Allele origin: germline.
Comment: Variant summary: PLA2G7 c.8delC (p.Pro3HisfsX25) results in a premature termination codon, predicted to cause a truncation of the encoded protein or absence of the protein due to nonsense mediated decay, however current evidence is not sufficient to establish loss of function as a mechanism for disease. The variant allele was found at a frequency of 0.00028 in 250550 control chromosomes. This frequency is not significantly higher than estimated for disease-causing variants in PLA2G7, allowing no conclusion about variant significance. To our knowledge, no occurrence of c.8delC in individuals affected with PLA2G7-related conditions and no experimental evidence demonstrating its impact on protein function have been reported. No submitters have cited clinical-significance assessments for this variant to ClinVar. Based on the evidence outlined above, the variant was classified as uncertain significance.

NM_005084.4(PLA2G7):c.8del (p.Pro3fs)

Gene: PLA2G7 (phospholipase A2 group VII; minus strand). Cytogenetic location: 6p12.3.
Variant type: Deletion.
Coding change: c.8del on transcript NM_005084.4 (MANE Select); coding-DNA position 8, one base deleted (C; older notation c.8delC).
Protein change: p.Pro3fs; shifts the reading frame from proline 3.
Molecular consequence: frameshift variant.
Genome position (GRCh38, 1-based): chr6:46,722,884, G deleted on the plus strand (C on the coding strand, the reverse complement: PLA2G7 is on the minus strand); the first of 2 consecutive G bases (chr6:46,722,884-46,722,885); deleting either gives the same sequence. VCF-style (leftmost placement, unchanged base first): chr6-46722883-TG-T. GRCh37 (hg19) VCF-style: chr6-46690620-TG-T.
Other names: c.8del, p.Pro3fs (NM_001168357.2); c.8delC (NM_005084.4); short protein forms P3fs.
Identifiers: ClinVar variation 4536755 (VCV004536755.1), dbSNP rs746588766.
Genomic context (GRCh38, chr6:46,722,883, plus strand): 5'-GTCAAAAGGATAAACCACAGCCAGGCAGCCGCAGAGGCAGAAAAGCACATGCAATTTGGG[TG>T]GCACCATCTTGGGAGCTGAGCAGCAGTTTCAGCTTAGTCTCCTTCGAAGCAGATGATTAA-3'